The following is an entry in ClinVar:

NM_016239.4(MYO15A):c.7145_7146dup (p.Pro2383fs)

Gene: MYO15A (myosin XVA; plus strand). Cytogenetic location: 17p11.2.
Variant type: Microsatellite.
Coding change: c.7145_7146dup on transcript NM_016239.4 (MANE Select); coding-DNA positions 7145 to 7146, 2 bases duplicated (TG; older notation c.7145_7146dupTG).
Protein change: p.Pro2383fs; shifts the reading frame from proline 2383.
Molecular consequence: frameshift variant.
Genome position (GRCh38, 1-based): chr17:18,149,513-18,149,514, TG duplicated; duplicating any 2 consecutive bases within chr17:18,149,511-18,149,514 gives the same sequence; the c. name uses the placement nearest the transcript's 3' end. VCF-style (leftmost placement, unchanged base first): chr17-18149510-C-CTG. GRCh37 (hg19) VCF-style: chr17-18052824-C-CTG.
Other names: short protein forms P2383fs.
Identifiers: ClinVar variation 2817753 (VCV002817753.3), dbSNP rs2545281070, ClinGen allele CA2739267233.

ClinVar aggregate classification (germline): Pathogenic (1 of 4 stars; one submission).

Submission:

Labcorp Genetics (formerly Invitae), Labcorp
Classification: Pathogenic. Last evaluated: 2022-12-16. Review status: criteria provided, single submitter. Criteria: Invitae Variant Classification Sherloc (09022015). Collection method: clinical testing. Allele origin: germline.
Comment: For these reasons, this variant has been classified as Pathogenic. Algorithms developed to predict the effect of sequence changes on RNA splicing suggest that this variant may disrupt the consensus splice site. This variant has not been reported in the literature in individuals affected with MYO15A-related conditions. This variant is not present in population databases (gnomAD no frequency). This sequence change creates a premature translational stop signal (p.Pro2383Cysfs*35) in the MYO15A gene. It is expected to result in an absent or disrupted protein product. Loss-of-function variants in MYO15A are known to be pathogenic (PMID: 17546645).

Literature cited by the submitters: PubMed 17546645.